The following is an entry in ClinVar:

NM_004391.3(CYP8B1):c.1308C>A (p.Gly436=)

Gene: CYP8B1 (cytochrome P450 family 8 subfamily B member 1; minus strand). Cytogenetic location: 3p22.1.
Variant type: single nucleotide variant.
Coding change: c.1308C>A on transcript NM_004391.3 (MANE Select); coding-DNA position 1308, C replaced by A.
Protein change: p.Gly436=; no amino-acid change (glycine 436 retained).
Molecular consequence: synonymous variant.
Genome position (GRCh38, 1-based): chr3:42,874,509, G>T on the plus strand (C>A on the coding strand, the complement: CYP8B1 is on the minus strand). VCF-style: chr3-42874509-G-T. GRCh37 (hg19) VCF-style: chr3-42916001-G-T.
Identifiers: ClinVar variation 2653715 (VCV002653715.24), dbSNP rs138292874, ClinGen allele CA2338927.

ClinVar aggregate classification (germline): Likely benign (1 of 4 stars; one submission).

Allele frequency attached by ClinVar (database versions not stated): 1000 Genomes Project 30x 0.00016; 1000 Genomes Project 0.00020; TOPMed 0.00040; ESP Exome Variant Server 0.00046.
gnomAD v4.1: 1,005 of 1,614,072 alleles (0.062%); highest among the groups gnomAD compares: Middle Eastern, 0.21%; no homozygotes.

Submission:

CeGaT Center for Human Genetics Tuebingen
Classification: Likely benign. Last evaluated: 2022-06-01. Review status: criteria provided, single submitter. Criteria: CeGaT Center For Human Genetics Tuebingen Variant Classification Criteria Version 2. Collection method: clinical testing. Allele origin: germline. Affected: yes. Observed: 1 variant allele.
Comment: CYP8B1: BP4, BP7